The following is an entry in ClinVar:

ClinVar aggregate classification (germline): Uncertain significance (1 of 4 stars; one submission).

gnomAD v4.1: 2 of 1,612,236 alleles (0.00012%); no homozygotes.

Submission:

Labcorp Genetics (formerly Invitae), Labcorp
Classification: Uncertain significance. Last evaluated: 2025-01-27. Review status: criteria provided, single submitter. Criteria: Invitae Variant Classification Sherloc (09022015). Collection method: clinical testing. Allele origin: germline.
Comment: This sequence change replaces methionine, which is neutral and non-polar, with lysine, which is basic and polar, at codon 74 of the GABRB1 protein (p.Met74Lys). This variant is not present in population databases (gnomAD no frequency). This variant has not been reported in the literature in individuals affected with GABRB1-related conditions. Invitae Evidence Modeling of protein sequence and biophysical properties (such as structural, functional, and spatial information, amino acid conservation, physicochemical variation, residue mobility, and thermodynamic stability) indicates that this missense variant is not expected to disrupt GABRB1 protein function with a negative predictive value of 80%. In summary, the available evidence is currently insufficient to determine the role of this variant in disease. Therefore, it has been classified as a Variant of Uncertain Significance.

NM_000812.4(GABRB1):c.221T>A (p.Met74Lys)

Gene: GABRB1 (gamma-aminobutyric acid type A receptor subunit beta1; plus strand). Cytogenetic location: 4p12.
Variant type: single nucleotide variant.
Coding change: c.221T>A on transcript NM_000812.4 (MANE Select); coding-DNA position 221, T replaced by A.
Protein change: p.Met74Lys; replaces methionine 74 with lysine.
Molecular consequence: missense variant.
Genome position (GRCh38, 1-based): chr4:47,032,465, T>A. VCF-style: chr4-47032465-T-A. GRCh37 (hg19) VCF-style: chr4-47034482-T-A.
Other names: short protein forms M74K.
Identifiers: ClinVar variation 3686456 (VCV003686456.2).